The following is an entry in ClinVar:

ClinVar aggregate classification (germline): Benign. Review status: criteria provided, single submitter (1 of 4 stars). 2 submissions from 2 submitters: Benign (1). 1 of the submissions does not count toward it. Last evaluated 2025-11-15.

Conditions:
Imerslund-Grasbeck syndrome. Also called: ENTEROCYTE COBALAMIN MALABSORPTION; ENTEROCYTE INTRINSIC FACTOR RECEPTOR, DEFECT OF; PERNICIOUS ANEMIA, JUVENILE, DUE TO SELECTIVE INTESTINAL MALABSORPTION OF VITAMIN B12, WITH PROTEINURIA; Megaloblastic anemia due to inborn errors of metabolism; Imerslund-Gräsbeck syndrome. Identifiers: Orphanet 35858, MedGen C4551825, MONDO:0009853.

Allele frequency attached by ClinVar (database versions not stated): gnomAD 0.00001; TOPMed 0.00001; gnomAD exomes 0.00002 and 0.00001.
gnomAD v4.1: 13 of 1,538,180 alleles (0.00085%); highest among the groups gnomAD compares: Middle Eastern, 0.16%; no homozygotes.

Submissions (2):

Labcorp Genetics (formerly Invitae), Labcorp
Classification: Benign for Imerslund-Grasbeck syndrome. Last evaluated: 2025-11-15. Review status: criteria provided, single submitter. Criteria: Invitae Variant Classification Sherloc (09022015). Collection method: clinical testing. Allele origin: germline.

Juha Muilu Group; Institute for Molecular Medicine Finland (FIMM)
Classification: Likely pathogenic for Megaloblastic anemia due to inborn errors of metabolism. Review status: no assertion criteria provided. Collection method: not provided. Allele origin: unknown. Not counted in ClinVar's aggregate classification.
Comment: FinDis database variant: This variant was not found or characterized by our laboratory, data were collected from public sources: see reference
ClinVar note: Converted during submission from probable-pathogenic to Likely pathogenic.

NM_030943.4(AMN):c.1257+10C>T

Gene: AMN (amnion associated transmembrane protein; plus strand). Cytogenetic location: 14q32.32.
Variant type: single nucleotide variant.
Coding change: c.1257+10C>T on transcript NM_030943.4 (MANE Select); 10 bases into the intron after coding-DNA position 1257, C replaced by T.
Molecular consequence: intron variant.
Genome position (GRCh38, 1-based): chr14:102,930,503, C>T. VCF-style: chr14-102930503-C-T. GRCh37 (hg19) VCF-style: chr14-103396840-C-T.
Identifiers: ClinVar variation 56747 (VCV000056747.5), dbSNP rs386834166, ClinGen allele CA144405.